The following is an entry in ClinVar:

NM_001004334.4(GPR179):c.4915G>A (p.Glu1639Lys)

Gene: GPR179 (G protein-coupled receptor 179; minus strand). Cytogenetic location: 17q12.
Variant type: single nucleotide variant.
Coding change: c.4915G>A on transcript NM_001004334.4 (MANE Select); coding-DNA position 4915, G replaced by A.
Protein change: p.Glu1639Lys; replaces glutamic acid 1639 with lysine.
Molecular consequence: missense variant.
Genome position (GRCh38, 1-based): chr17:38,328,654, C>T on the plus strand (G>A on the coding strand, the complement: GPR179 is on the minus strand). VCF-style: chr17-38328654-C-T. GRCh37 (hg19) VCF-style: chr17-36484537-C-T.
Other names: short protein forms E1639K.
Identifiers: ClinVar variation 1944085 (VCV001944085.3), dbSNP rs369820842, ClinGen allele CA290103851.

ClinVar aggregate classification (germline): Uncertain significance (1 of 4 stars; one submission).

Allele frequency attached by ClinVar (database versions not stated): gnomAD exomes 0.00001; ExAC 0.00002; gnomAD 0.00004; TOPMed 0.00004; ESP Exome Variant Server 0.00008; 1000 Genomes Project 30x 0.00016; 1000 Genomes Project 0.00020.

Submission:

Labcorp Genetics (formerly Invitae), Labcorp
Classification: Uncertain significance. Last evaluated: 2022-04-17. Review status: criteria provided, single submitter. Criteria: Invitae Variant Classification Sherloc (09022015). Collection method: clinical testing. Allele origin: germline.
Comment: This sequence change replaces glutamic acid, which is acidic and polar, with lysine, which is basic and polar, at codon 1639 of the GPR179 protein (p.Glu1639Lys). This variant is present in population databases (rs369820842, gnomAD 0.02%). This variant has not been reported in the literature in individuals affected with GPR179-related conditions. Algorithms developed to predict the effect of missense changes on protein structure and function (SIFT, PolyPhen-2, Align-GVGD) all suggest that this variant is likely to be tolerated. In summary, the available evidence is currently insufficient to determine the role of this variant in disease. Therefore, it has been classified as a Variant of Uncertain Significance.